The following is an entry in ClinVar:

NM_201596.3(CACNB2):c.1366T>C (p.Tyr456His)

Gene: CACNB2 (calcium voltage-gated channel auxiliary subunit beta 2; plus strand). Cytogenetic location: 10p12.31.
Variant type: single nucleotide variant.
Coding change: c.1366T>C on transcript NM_201596.3 (MANE Select); coding-DNA position 1366, T replaced by C.
Protein change: p.Tyr456His; replaces tyrosine 456 with histidine.
Molecular consequence: missense variant.
Genome position (GRCh38, 1-based): chr10:18,538,243, T>C. VCF-style: chr10-18538243-T-C. GRCh37 (hg19) VCF-style: chr10-18827172-T-C.
Other names: c.1201T>C, p.Tyr401His (NM_000724.4); c.1168T>C, p.Tyr390His (NM_001167945.2); c.1087T>C, p.Tyr363His (NM_001330060.2); c.1108T>C, p.Tyr370His (NM_001410882.1); c.1222T>C, p.Tyr408His (NM_201570.3); c.1282T>C, p.Tyr428His (NM_201571.4); c.1210T>C, p.Tyr404His (NM_201572.4); c.1204T>C, p.Tyr402His (NM_201590.3); and 2 more; short protein forms Y363H, Y370H, Y390H, Y401H, Y402H, Y404H, Y408H, Y418H.
Identifiers: ClinVar variation 3230190 (VCV003230190.1), dbSNP rs768715677, ClinGen allele CA5430015.

ClinVar aggregate classification (germline): Uncertain significance (1 of 4 stars; one submission).

Conditions:
Cardiovascular phenotype. Identifiers: MedGen CN230736.

Allele frequency attached by ClinVar (database versions not stated): gnomAD exomes below 0.00001; ExAC 0.00001.
gnomAD v4.1: 1 of 1,614,108 alleles (0.000062%); highest among the groups gnomAD compares: Non-Finnish European, 0.000085%; no homozygotes.

Submission:

Ambry Genetics
Classification: Uncertain significance for Cardiovascular phenotype. Last evaluated: 2023-12-21. Review status: criteria provided, single submitter. Criteria: Ambry Variant Classification Scheme 2023. Collection method: clinical testing. Allele origin: germline.
Comment: The p.Y402H variant (also known as c.1204T>C), located in coding exon 12 of the CACNB2 gene, results from a T to C substitution at nucleotide position 1204. The tyrosine at codon 402 is replaced by histidine, an amino acid with similar properties. This amino acid position is conserved. In addition, the in silico prediction for this alteration is inconclusive. Since supporting evidence is limited at this time, the clinical significance of this alteration remains unclear.